The following is an entry in ClinVar:

ClinVar aggregate classification (germline): Likely pathogenic (1 of 4 stars; one submission).

Conditions:
Autism spectrum disorder due to AUTS2 deficiency (MRD26). Also called: INTELLECTUAL DEVELOPMENTAL DISORDER, AUTOSOMAL DOMINANT 26. Identifiers: Orphanet 352490, MedGen C4014435, MONDO:0014361, OMIM 615834.

Submission:

Neuberg Centre For Genomic Medicine, NCGM
Classification: Likely pathogenic for Autism spectrum disorder due to AUTS2 deficiency. Last evaluated: 2023-06-22. Review status: criteria provided, single submitter. Criteria: ACMG Guidelines, 2015. Collection method: clinical testing. Allele origin: germline. Inheritance: Autosomal dominant inheritance. Affected: yes.
Comment: The observed frameshift c.205delp.Arg69GlyfsTer25 variant in AUTS2 gene has not been reported previously as a pathogenic variant nor as a benign variant, to our knowledge. This variant is absent in gnomAD Exomes. This variant causes a frameshift starting with codon Arginine 69, changes this amino acid to Glycine residue, and creates a premature Stop codon at position 25 of the new reading frame, denoted p.Arg69GlyfsTer25. This variant is predicted to cause loss of normal protein function through protein truncation. Loss of function variants have been previously reported to be disease causing. For these reasons, this variant has been classified as Likely Pathogenic.

NM_015570.4(AUTS2):c.205del (p.Arg69fs)

Gene: AUTS2 (activator of transcription and developmental regulator AUTS2; plus strand). Cytogenetic location: 7q11.22.
Variant type: Deletion.
Coding change: c.205del on transcript NM_015570.4 (MANE Select); coding-DNA position 205, one base deleted (C; older notation c.205delC).
Protein change: p.Arg69fs; shifts the reading frame from arginine 69.
Molecular consequence: frameshift variant.
Genome position (GRCh38, 1-based): chr7:69,599,858, C deleted; the last of 3 consecutive C bases (chr7:69,599,856-69,599,858); deleting any one gives the same sequence. VCF-style (leftmost placement, unchanged base first): chr7-69599855-TC-T. GRCh37 (hg19) VCF-style: chr7-69064841-TC-T.
Other names: c.205del, p.Arg69fs (NM_001127231.3, NM_001127232.3); short protein forms R69fs.
Identifiers: ClinVar variation 3391186 (VCV003391186.1).